The following is an entry in ClinVar:

NM_000135.4(FANCA):c.2395C>G (p.Pro799Ala)

Gene: FANCA (FA complementation group A; minus strand). Cytogenetic location: 16q24.3.
Variant type: single nucleotide variant.
Coding change: c.2395C>G on transcript NM_000135.4 (MANE Select); coding-DNA position 2395, C replaced by G.
Protein change: p.Pro799Ala; replaces proline 799 with alanine.
Molecular consequence: missense variant.
Genome position (GRCh38, 1-based): chr16:89,769,946, G>C on the plus strand (C>G on the coding strand, the complement: FANCA is on the minus strand). VCF-style: chr16-89769946-G-C. GRCh37 (hg19) VCF-style: chr16-89836354-G-C.
Other names: c.2395C>G, p.Pro799Ala (NM_001286167.3); short protein forms P799A.
Identifiers: ClinVar variation 1411687 (VCV001411687.8), dbSNP rs762439008, ClinGen allele CA397443927.
Genomic context (GRCh38, chr16:89,769,946, plus strand): 5'-CAAAGAGCGCAGGGACAGGAAGGCCAGCACCAGGTGCAGGAGGACCCACATCCACCTCTG[G>C]GAGCGCAGACCTGGACTCACCCAGGTGCACGGCCAGGGCAGCCAACCCCAGCACATGTGG-3'
Protein context (NP_000126.2, residues 789-809): VHLGESRSAL[Pro799Ala]EVDVGPPAPG

ClinVar aggregate classification (germline): Uncertain significance (1 of 4 stars; one submission).

Conditions:
Fanconi anemia (FA). Also called: Fanconi's anemia. Identifiers: Orphanet 84, MedGen C0015625, MeSH D005199, MONDO:0019391.

Submission:

Labcorp Genetics (formerly Invitae), Labcorp
Classification: Uncertain significance for Fanconi anemia. Last evaluated: 2021-02-24. Review status: criteria provided, single submitter. Criteria: Invitae Variant Classification Sherloc (09022015). Collection method: clinical testing. Allele origin: germline.
Comment: In summary, the available evidence is currently insufficient to determine the role of this variant in disease. Therefore, it has been classified as a Variant of Uncertain Significance. Algorithms developed to predict the effect of missense changes on protein structure and function are either unavailable or do not agree on the potential impact of this missense change (SIFT: "Deleterious"; PolyPhen-2: "Possibly Damaging"; Align-GVGD: "Class C0"). This variant has not been reported in the literature in individuals with FANCA-related conditions. This variant is not present in population databases (ExAC no frequency). This sequence change replaces proline with alanine at codon 799 of the FANCA protein (p.Pro799Ala). The proline residue is moderately conserved and there is a small physicochemical difference between proline and alanine.